The following is an entry in ClinVar:

NC_000017.10:g.(?_41222925)_(41228666_?)dup

Gene: BRCA1 (BRCA1 DNA repair associated; minus strand). Cytogenetic location: 17q21.31.
Variant type: Duplication.
Identifiers: ClinVar variation 3243003 (VCV003243003.1).

ClinVar aggregate classification (germline): Pathogenic (1 of 4 stars; one submission).

Conditions:
Hereditary breast ovarian cancer syndrome. Also called: Hereditary breast and ovarian cancer syndrome; Hereditary breast and ovarian cancer; Hereditary breast and ovarian cancer syndrome (HBOC); Breast and ovarian cancer; Hereditary breast and/or ovarian cancer syndrome; BRCA1- and BRCA2-Associated Hereditary Breast and Ovarian Cancer. Identifiers: Orphanet 145, MedGen C0677776, MeSH D061325, MONDO:0003582. Disease mechanism: loss of function.

Submission:

Labcorp Genetics (formerly Invitae), Labcorp
Classification: Pathogenic for Hereditary breast ovarian cancer syndrome. Last evaluated: 2023-12-31. Review status: criteria provided, single submitter. Criteria: Invitae Variant Classification Sherloc (09022015). Collection method: clinical testing. Allele origin: unknown.
Comment: This variant results in a copy number gain of the genomic region encompassing exon(s) 13-15 of the BRCA1 gene. While the exact position of this variant cannot be determined from the data, sub-genic copy number gains are generally in tandem (PMID: 25640679). This variant is predicted to be out-of-frame, and may result in an absent or disrupted protein product. Loss-of-function variants in BRCA1 are known to be pathogenic (PMID: 20104584). A similar copy number variant has been observed in individual(s) with undergoing genetic counseling for hereditary breast and/or ovarian cancer syndrome (PMID: 18330910). For these reasons, this variant has been classified as Pathogenic.

Literature cited by the submitters: PubMed 25640679; PubMed 20104584; PubMed 18330910.